The following is an entry in ClinVar:

NM_000169.3(GLA):c.893_894insG (p.Asn298fs)

Genes: GLA (galactosidase alpha; minus strand), RPL36A-HNRNPH2 (RPL36A-HNRNPH2 readthrough; plus strand). Cytogenetic location: Xq22.1.
Variant type: Insertion.
Coding change: c.893_894insG on transcript NM_000169.3 (MANE Select); coding-DNA positions 893 to 894, G inserted.
Protein change: p.Asn298fs; shifts the reading frame from asparagine 298.
Molecular consequence: frameshift variant. On other transcripts: non-coding transcript variant (3), intron variant (2).
Genome position: GRCh38 VCF-style: chrX-101398475-A-AC. GRCh37 (hg19) VCF-style: chrX-100653463-A-AC.
Other names: c.1016_1017insG, p.Asn339fs (NM_001406747.1); c.893_894insG, p.Asn298fs (NM_001406748.1); c.300+3018_300+3019insC (NM_001199973.2); c.177+6653_177+6654insC (NM_001199974.2); short protein forms N298fs, N339fs.
Identifiers: ClinVar variation 4087019 (VCV004087019.2).

ClinVar aggregate classification (germline): Pathogenic (1 of 4 stars; one submission).

Conditions:
Fabry disease. Also called: ALPHA-GALACTOSIDASE A DEFICIENCY; ANDERSON-FABRY DISEASE; CERAMIDE TRIHEXOSIDASE DEFICIENCY; GLA DEFICIENCY; HEREDITARY DYSTOPIC LIPIDOSIS; Angiokeratoma corporis diffusum. Identifiers: Orphanet 324, MedGen C0002986, MONDO:0010526, OMIM 301500, HP:0001071. Disease mechanism: Fabry disease is due to inactivating mutations in the X-linked GLA gene resulting in deficiency of the enzyme Alpha Galactosidase-A., loss of function.

Submission:

Genomenon, Inc
Classification: Pathogenic for Fabry disease. Last evaluated: 2026-09-08. Review status: criteria provided, single submitter. Criteria: Genomenon Sequence Variant Interpretation Standards - Updated. Collection method: curation. Allele origin: germline. Affected: yes.
Comment: GLA p.Asn298LysfsTer2 (c.893_894insG) is a frameshift variant that is predicted to introduce a premature termination codon and result in a truncated or absent protein product. This variant has been observed in at least one proband with clinical features consistent with Fabry disease (PMID:11322659;32127409;20022777). Functional or patient cell studies have been reported (PMID:32127409). It is absent or not present at a significant frequency in gnomAD. In conclusion, we classify GLA p.Asn298LysfsTer2 (c.893_894insG) as a pathogenic variant.

Literature cited by the submitters: PubMed 11322659; PubMed 32127409; PubMed 20022777.